The following is an entry in ClinVar:

ClinVar aggregate classification (germline): Benign/Likely benign. Review status: criteria provided, multiple submitters, no conflicts (2 of 4 stars). 7 submissions from 7 submitters: Benign (1); Likely benign (5). 1 of the submissions does not count toward it. Last evaluated 2026-01-18.

Conditions:
AXIN2-related disorder.
Hereditary cancer-predisposing syndrome. Also called: Hereditary neoplastic syndrome; Hereditary Cancer Syndrome; Neoplastic Syndromes, Hereditary; Tumor predisposition. Identifiers: Orphanet 140162, MedGen C0027672, MeSH D009386, MONDO:0015356.
Oligodontia-cancer predisposition syndrome. Also called: TOOTH AGENESIS-COLORECTAL CANCER SYNDROME. Identifiers: Orphanet 300576, MedGen C1837750, MONDO:0012075, OMIM 608615. Disease mechanism: loss of function.

Allele frequency attached by ClinVar (database versions not stated): gnomAD exomes 0.00001 and 0.00007; ExAC 0.00010; 1000 Genomes Project 30x 0.00016; 1000 Genomes Project 0.00020; gnomAD 0.00021 and 0.00024; TOPMed 0.00026; ESP Exome Variant Server 0.00031.
gnomAD v4.1: 51 of 1,612,878 alleles (0.0032%); highest among the groups gnomAD compares: African/African-American, 0.061%; no homozygotes.

Submissions (7):

Labcorp Genetics (formerly Invitae), Labcorp
Classification: Likely benign for Oligodontia-cancer predisposition syndrome. Last evaluated: 2026-01-18. Review status: criteria provided, single submitter. Criteria: Invitae Variant Classification Sherloc (09022015). Collection method: clinical testing. Allele origin: germline.

Myriad Genetics, Inc.
Classification: Benign for Oligodontia-cancer predisposition syndrome. Last evaluated: 2024-07-03. Review status: criteria provided, single submitter. Criteria: Myriad Autosomal Dominant, Autosomal Recessive and X-Linked Classification Criteria (2023). Collection method: clinical testing. Allele origin: unknown.
Comment: This variant is considered benign. This variant is a silent/synonymous amino acid change and it is not expected to impact splicing.

Women's Health and Genetics/Laboratory Corporation of America, LabCorp
Classification: Likely benign. Last evaluated: 2022-06-20. Review status: criteria provided, single submitter. Criteria: LabCorp Variant Classification Summary - May 2015. Collection method: clinical testing. Allele origin: germline.

Sema4
Classification: Likely benign for Hereditary cancer-predisposing syndrome. Last evaluated: 2021-11-22. Review status: criteria provided, single submitter. Criteria: Sema4 Curation Guidelines. Collection method: curation. Allele origin: germline.

GeneDx
Classification: Likely benign. Last evaluated: 2019-12-26. Review status: criteria provided, single submitter. Criteria: GeneDx Variant Classification Process June 2021. Collection method: clinical testing. Allele origin: germline. Affected: yes.

Ambry Genetics
Classification: Likely benign for Hereditary cancer-predisposing syndrome. Last evaluated: 2019-04-03. Review status: criteria provided, single submitter. Criteria: Ambry Variant Classification Scheme 2023. Collection method: clinical testing. Allele origin: germline.

PreventionGenetics, part of Exact Sciences
Classification: Likely benign for AXIN2-related condition. Last evaluated: 2024-09-23. Review status: no assertion criteria provided. Collection method: clinical testing. Allele origin: germline. Not counted in ClinVar's aggregate classification.
Comment: This variant is classified as likely benign based on ACMG/AMP sequence variant interpretation guidelines (Richards et al. 2015 PMID: 25741868, with internal and published modifications).

NM_004655.4(AXIN2):c.1491C>T (p.Cys497=)

Gene: AXIN2 (axin 2; minus strand). Cytogenetic location: 17q24.1.
Variant type: single nucleotide variant.
Coding change: c.1491C>T on transcript NM_004655.4 (MANE Select); coding-DNA position 1491, C replaced by T.
Protein change: p.Cys497=; no amino-acid change (cysteine 497 retained).
Molecular consequence: synonymous variant.
Genome position (GRCh38, 1-based): chr17:65,537,545, G>A on the plus strand (C>T on the coding strand, the complement: AXIN2 is on the minus strand). VCF-style: chr17-65537545-G-A. GRCh37 (hg19) VCF-style: chr17-63533663-G-A.
Other names: c.1491C>T (LRG_296t1); c.1491C>T, p.Cys497= (NM_001363813.1).
Identifiers: ClinVar variation 377546 (VCV000377546.20), dbSNP rs150292240, ClinGen allele CA8718631.